The following is an entry in ClinVar:

ClinVar aggregate classification (germline): Benign/Likely benign. Review status: criteria provided, multiple submitters, no conflicts (2 of 4 stars). 5 submissions from 5 submitters: Benign (1); Likely benign (4). Last evaluated 2024-12-16.

Conditions:
Hereditary nonpolyposis colorectal neoplasms. Identifiers: MedGen C0009405, MeSH D003123.
Hereditary cancer-predisposing syndrome. Also called: Neoplastic Syndromes, Hereditary; Tumor predisposition; Hereditary Cancer Syndrome; Hereditary neoplastic syndrome. Identifiers: Orphanet 140162, MedGen C0027672, MeSH D009386, MONDO:0015356.
Lynch syndrome. Identifiers: Orphanet 144, MedGen C4552100, MONDO:0005835. Disease mechanism: loss of function.
Lynch syndrome 5 (LYNCH5). Also called: Colorectal cancer, hereditary nonpolyposis, type 5; Hereditary non-polyposis colorectal cancer, type 5. Identifiers: Orphanet 144, MedGen C1833477, MONDO:0013710, OMIM 614350. Disease mechanism: loss of function.

Submissions (5):

Myriad Genetics, Inc.
Classification: Benign for Lynch syndrome 5. Last evaluated: 2024-12-16. Review status: criteria provided, single submitter. Criteria: Myriad Autosomal Dominant, Autosomal Recessive and X-Linked Classification Criteria (2023). Collection method: clinical testing. Allele origin: unknown.
Comment: This variant is considered benign. This variant is a silent/synonymous amino acid change and it is not expected to impact splicing.

All of Us Research Program, National Institutes of Health
Classification: Likely benign for Lynch syndrome. Last evaluated: 2023-07-19. Review status: criteria provided, single submitter. Criteria: ACMG Guidelines, 2015. Collection method: clinical testing. Allele origin: germline. Inheritance: Autosomal dominant inheritance. Observed: 1 variant allele, 1 heterozygote.
Comment: This study involves interpretation of variants in research participants for the purpose of population health screening. Participant phenotype was not available at the time of variant classification. Additional details can be found in publication PMID: 35346344, PMCID: PMC8962531

Labcorp Genetics (formerly Invitae), Labcorp
Classification: Likely benign for Hereditary nonpolyposis colorectal neoplasms. Last evaluated: 2022-05-07. Review status: criteria provided, single submitter. Criteria: Invitae Variant Classification Sherloc (09022015). Collection method: clinical testing. Allele origin: germline.

Color Diagnostics, LLC DBA Color Health
Classification: Likely benign for Hereditary cancer-predisposing syndrome. Last evaluated: 2020-01-27. Review status: criteria provided, single submitter. Criteria: ACMG Guidelines, 2015. Collection method: clinical testing. Allele origin: germline.

Ambry Genetics
Classification: Likely benign for Hereditary cancer-predisposing syndrome. Last evaluated: 2019-01-10. Review status: criteria provided, single submitter. Criteria: Ambry Variant Classification Scheme 2023. Collection method: clinical testing. Allele origin: germline.

NM_000179.3(MSH6):c.18C>G (p.Thr6=)

Gene: MSH6 (mutS homolog 6; plus strand). Cytogenetic location: 2p16.3.
Variant type: single nucleotide variant.
Coding change: c.18C>G on transcript NM_000179.3 (MANE Select); coding-DNA position 18, C replaced by G.
Protein change: p.Thr6=; no amino-acid change (threonine 6 retained).
Molecular consequence: synonymous variant. On other transcripts: 5 prime UTR variant (1).
Genome position (GRCh38, 1-based): chr2:47,783,251, C>G. VCF-style: chr2-47783251-C-G. GRCh37 (hg19) VCF-style: chr2-48010390-C-G.
Other names: c.18C>G, p.Thr6= (NM_001281492.2); c.-719C>G (NM_001281493.2).
Identifiers: ClinVar variation 924072 (VCV000924072.15), dbSNP rs909257611, ClinGen allele CA425986817.
Genomic context (GRCh38, chr2:47,783,251, plus strand): 5'-GAGCTCCGTCCGACAGAACGGTTGGGCCTTGCCGGCTGTCGGTATGTCGCGACAGAGCAC[C>G]CTGTACAGCTTCTTCCCCAAGTCTCCGGCGCTGAGTGATGCCAACAAGGCCTCGGCCAGG-3'
Protein context (NP_000170.1, residues 1-16): MSRQS[Thr6=]LYSFFPKSPA